The following is an entry in ClinVar:

ClinVar aggregate classification (germline): Uncertain significance. Review status: criteria provided, multiple submitters, no conflicts (2 of 4 stars). 7 submissions from 7 submitters: Uncertain significance (7). Last evaluated 2026-04-11.

Conditions:
Cowden syndrome 3 (CWS3). Identifiers: Orphanet 201, MedGen CN166604, MONDO:0014045.
Pheochromocytoma. Also called: MAX-Related Hereditary Paraganglioma-Pheochromocytoma Syndrome. Identifiers: Orphanet 29072, MedGen C0031511, MONDO:0008233, OMIM 171300, HP:0002666.
Paragangliomas with sensorineural hearing loss. Identifiers: MedGen C1868633.
Carney-Stratakis syndrome. Also called: PARAGANGLIOMA AND GASTROINTESTINAL STROMAL TUMOR. Identifiers: Orphanet 97286, MedGen C1847319, MONDO:0011740, OMIM 606864.
Mitochondrial complex 2 deficiency, nuclear type 3. Also called: MITOCHONDRIAL COMPLEX II DEFICIENCY, NUCLEAR TYPE 3. Identifiers: MedGen C5436934, MONDO:0030937, OMIM 619167.
Hereditary cancer-predisposing syndrome. Also called: Hereditary neoplastic syndrome; Hereditary Cancer Syndrome; Tumor predisposition; Neoplastic Syndromes, Hereditary. Identifiers: Orphanet 140162, MedGen C0027672, MeSH D009386, MONDO:0015356.
Hereditary pheochromocytoma and paraganglioma. Also called: Hereditary paragangliomas and pheochromocytomas; Hereditary pheochromocytoma-paraganglioma; Hereditary Paraganglioma-Pheochromocytoma Syndromes. Identifiers: Orphanet 29072, MedGen C4274332, MONDO:0017366.

Allele frequency attached by ClinVar (database versions not stated): TOPMed 0.00002.
gnomAD v4.1: 7 of 1,614,150 alleles (0.00043%); highest among the groups gnomAD compares: Admixed American, 0.0017%; no homozygotes.

Submissions (7):

Ambry Genetics
Classification: Uncertain significance for Hereditary cancer-predisposing syndrome. Last evaluated: 2026-04-11. Review status: criteria provided, single submitter. Criteria: Ambry Variant Classification Scheme 2023. Collection method: clinical testing. Allele origin: germline.
Comment: The c.281C>T (p.S94F) alteration is located in exon 3 (coding exon 3) of the SDHD gene. This alteration results from a C to T substitution at nucleotide position 281, causing the serine (S) at amino acid position 94 to be replaced by a phenylalanine (F). Based on data from gnomAD, the T allele has an overall frequency of <0.001% (1/251480) total alleles studied. The highest observed frequency was 0.003% (1/34592) of Latino alleles. Based on insufficient or conflicting evidence, the clinical significance of this alteration remains unclear.

Labcorp Genetics (formerly Invitae), Labcorp
Classification: Uncertain significance for Carney-Stratakis syndrome; Paragangliomas with sensorineural hearing loss; Pheochromocytoma; Cowden syndrome 3. Last evaluated: 2026-02-02. Review status: criteria provided, single submitter. Criteria: Invitae Variant Classification Sherloc (09022015). Collection method: clinical testing. Allele origin: germline.
Comment: This sequence change replaces serine, which is neutral and polar, with phenylalanine, which is neutral and non-polar, at codon 94 of the SDHD protein (p.Ser94Phe). This variant is present in population databases (rs199754684, gnomAD 0.003%). This missense change has been observed in individual(s) with clinical features of gastrointestinal stromal tumor syndrome (internal data). ClinVar contains an entry for this variant (Variation ID: 650749). Invitae Evidence Modeling of protein sequence and biophysical properties (such as structural, functional, and spatial information, amino acid conservation, physicochemical variation, residue mobility, and thermodynamic stability) indicates that this missense variant is expected to disrupt SDHD protein function with a positive predictive value of 95%. In summary, the available evidence is currently insufficient to determine the role of this variant in disease. Therefore, it has been classified as a Variant of Uncertain Significance.

Color Diagnostics, LLC DBA Color Health
Classification: Uncertain significance for Hereditary pheochromocytoma and paraganglioma. Last evaluated: 2025-07-03. Review status: criteria provided, single submitter. Criteria: ACMG Guidelines, 2015. Collection method: clinical testing. Allele origin: germline.
Comment: This missense variant replaces serine with phenylalanine at codon 94 of the SDHD protein. Computational prediction suggests that this variant may have deleterious impact on protein structure and function. To our knowledge, functional studies have not been reported for this variant. This variant has not been reported in individuals affected with SDHD-related disorders in the literature. This variant has been identified in 1/251480 chromosomes in the general population by the Genome Aggregation Database (gnomAD). The available evidence is insufficient to determine the role of this variant in disease conclusively. Therefore, this variant is classified as a Variant of Uncertain Significance.

Quest Diagnostics Nichols Institute San Juan Capistrano
Classification: Uncertain significance. Last evaluated: 2025-02-24. Review status: criteria provided, single submitter. Criteria: Quest Diagnostics criteria. Collection method: clinical testing. Allele origin: unknown.

Baylor Genetics
Classification: Uncertain significance for Mitochondrial complex 2 deficiency, nuclear type 3. Last evaluated: 2024-03-26. Review status: criteria provided, single submitter. Criteria: ACMG Guidelines, 2015. Collection method: clinical testing. Allele origin: unknown.

Blueprint Genetics
Classification: Uncertain significance. Last evaluated: 2023-09-20. Review status: criteria provided, single submitter. Criteria: ACMG Guidelines, 2015. Collection method: clinical testing. Allele origin: germline.

ARUP Laboratories, Molecular Genetics and Genomics, ARUP Laboratories
Classification: Uncertain significance. Last evaluated: 2021-08-06. Review status: criteria provided, single submitter. Criteria: ARUP Molecular Germline Variant Investigation Process 2021. Collection method: clinical testing. Allele origin: germline.
Comment: The SDHD c.281C>T, p.Ser94Phe variant (rs199754684), to our knowledge, has not been reported in the medical literature; however, this variant is listed in the ClinVar database (Variation ID: 650749). This variant is only observed on one allele in the Genome Aggregation Database, indicating it is not a common polymorphism. The serine at codon 94 is highly conserved, and computational analyses predict that this variant is deleterious (REVEL: 0.892). Missense variants in two nearby codons, p.Asp92Tyr and p.Leu95Pro, have been identified as significant founder alleles of hereditary paraganglioma and pheochromocytoma syndrome (Hensen 2021, and references therein). However, based on the available information, the clinical significance of the p.Ser94Phe variant is uncertain. References: Hensen EF et al. High prevalence of founder mutations of the succinate dehydrogenase genes in the Netherlands. Clin Genet. 2012 Mar;81(3):284-8. PMID: 21348866.

NM_003002.4(SDHD):c.281C>T (p.Ser94Phe)

Gene: SDHD (succinate dehydrogenase complex subunit D; plus strand). Cytogenetic location: 11q23.1.
Variant type: single nucleotide variant.
Coding change: c.281C>T on transcript NM_003002.4 (MANE Select); coding-DNA position 281, C replaced by T.
Protein change: p.Ser94Phe; replaces serine 94 with phenylalanine.
Molecular consequence: missense variant. On other transcripts: non-coding transcript variant (1), intron variant (1).
Genome position (GRCh38, 1-based): chr11:112,088,978, C>T. VCF-style: chr11-112088978-C-T. GRCh37 (hg19) VCF-style: chr11-111959702-C-T.
Other names: c.164C>T, p.Ser55Phe (NM_001276504.2); c.281C>T, p.Ser94Phe (NM_001276506.2); c.169+1005C>T (NM_001276503.2); short protein forms S55F, S94F.
Identifiers: ClinVar variation 650749 (VCV000650749.25), dbSNP rs199754684, ClinGen allele CA228551769.
Genomic context (GRCh38, chr11:112,088,978, plus strand): 5'-TTTTGCTCCTGGGTCTGCTTCCGGCTGCTTATTTGAATCCTTGCTCTGCGATGGACTATT[C>T]CCTGGCTGCAGCCCTCACTCTTCATGGTCACTGGCAAGTATAGCAATTCCAAATATAGTT-3'
Protein context (NP_002993.1, residues 84-104): YLNPCSAMDY[Ser94Phe]LAAALTLHGH